The following is an entry in ClinVar:

NM_002568.4(PABPC1):c.-1G>A

Gene: PABPC1 (poly(A) binding protein cytoplasmic 1; minus strand). Cytogenetic location: 8q22.3.
Variant type: single nucleotide variant.
Coding change: c.-1G>A on transcript NM_002568.4 (MANE Select); 1 bases upstream of the start codon, G replaced by A.
Molecular consequence: 5 prime UTR variant.
Genome position (GRCh38, 1-based): chr8:100,721,584, C>T on the plus strand (G>A on the coding strand, the complement: PABPC1 is on the minus strand). VCF-style: chr8-100721584-C-T. GRCh37 (hg19) VCF-style: chr8-101733812-C-T.
Other names: c.-1G>A (NM_001438282.1).
Identifiers: ClinVar variation 4985881 (VCV004985881.1).
Genomic context (GRCh38, chr8:100,721,584, plus strand): 5'-GGGGTGGAGGTCCCCCACGTAGAGCGAGGCCATGGGGTAGCTGGGGGCACTGGGGTTCAT[C>T]TCGGCACGGCTGCCCGCAGGGCCACAGGCCGCGACCTTTCCGTGAGAGGAGGAGAGCGAG-3'

ClinVar aggregate classification (germline): Likely benign (1 of 4 stars; one submission).

Conditions:
PABPC1-related condition.

gnomAD v4.1: 163 of 1,568,548 alleles (0.01%); highest among the groups gnomAD compares: Middle Eastern, 0.095%; no homozygotes.

Submission:

PreventionGenetics, part of Exact Sciences
Classification: Likely benign for PABPC1-related condition. Last evaluated: 2025-11-26. Review status: criteria provided, single submitter. Criteria: ACMG Guidelines, 2015. Collection method: clinical testing. Allele origin: germline.
Comment: This variant is classified as likely benign based on ACMG/AMP sequence variant interpretation guidelines (Richards et al. 2015 PMID: 25741868, with internal and published modifications).